The following is an entry in ClinVar:

ClinVar aggregate classification (germline): Conflicting classifications of pathogenicity. Review status: criteria provided, conflicting classifications (1 of 4 stars). 5 submissions from 5 submitters: Likely pathogenic (2); Uncertain significance (1). 2 of the submissions do not count toward it. Last evaluated 2025-04-26.

Conditions:
Paget disease of bone 3. Identifiers: MedGen C4085252, MONDO:0008176, OMIM 167250.
Neurodegeneration with ataxia, dystonia, and gaze palsy, childhood-onset (NADGP). Identifiers: MedGen C4310693, MONDO:0014940, OMIM 617145.
Myopathy, distal, with rimmed vacuoles (DMRV). Also called: MULTISYSTEM PROTEINOPATHY 4. Identifiers: MedGen C5399975, MONDO:0014945, OMIM 617158.
Frontotemporal dementia and/or amyotrophic lateral sclerosis 3. Also called: FTDALS3. Identifiers: Orphanet 275864, Orphanet 275872, Orphanet 803, MedGen C4225326, MONDO:0014640, OMIM 616437.
SQSTM1-related disorder. Also called: SQSTM1-Related Disorders.
Paget disease of bone 2, early-onset (PDB2). Also called: Paget disease of bone 2. Identifiers: MedGen C4085251, MONDO:0011183, OMIM 602080.
Frontotemporal dementia and/or amyotrophic lateral sclerosis 1 (FTDALS1). Also called: Frontotemporal dementia with motor neuron disease 1; C9orf72 Frontotemporal Dementia and/or Amyotrophic Lateral Sclerosis. Identifiers: Orphanet 275872, MedGen C5779877, MONDO:0007105, OMIM 105550.

Allele frequency attached by ClinVar (database versions not stated): gnomAD exomes 0.00006 and 0.00003; TOPMed 0.00004; gnomAD 0.00001; ExAC 0.00004.
gnomAD v4.1: 53 of 1,613,926 alleles (0.0033%); highest among the groups gnomAD compares: Middle Eastern, 0.049%; 1 homozygote.

Submissions (5):

Labcorp Genetics (formerly Invitae), Labcorp
Classification: Uncertain significance for Paget disease of bone 2, early-onset; Frontotemporal dementia and/or amyotrophic lateral sclerosis 1. Last evaluated: 2025-04-26. Review status: criteria provided, single submitter. Criteria: Invitae Variant Classification Sherloc (09022015). Collection method: clinical testing. Allele origin: germline.
Comment: This sequence change replaces proline, which is neutral and non-polar, with leucine, which is neutral and non-polar, at codon 387 of the SQSTM1 protein (p.Pro387Leu). This variant is present in population databases (rs776749939, gnomAD 0.03%). This missense change has been observed in individual(s) with Paget disease, frontotemporal dementia or dementia (PMID: 14584883, 20200946, 22972638, 24042580, 24899140, 25796131, 29525180). ClinVar contains an entry for this variant (Variation ID: 202211). Invitae Evidence Modeling of protein sequence and biophysical properties (such as structural, functional, and spatial information, amino acid conservation, physicochemical variation, residue mobility, and thermodynamic stability) indicates that this missense variant is expected to disrupt SQSTM1 protein function with a positive predictive value of 80%. Experimental studies have shown that this missense change affects SQSTM1 function (PMID: 16691492, 17229008). In summary, the available evidence is currently insufficient to determine the role of this variant in disease. Therefore, it has been classified as a Variant of Uncertain Significance.

GeneDx
Classification: Likely pathogenic. Last evaluated: 2018-10-11. Review status: criteria provided, single submitter. Criteria: GeneDx Variant Classification (06012015). Collection method: clinical testing. Allele origin: germline. Affected: yes.
Comment: The P387L variant in the SQSTM1 gene has been reported in individuals with Paget disease of bone as well as inindividuals with frontotemporal dementia (Johnson-Pais et al., 2003; Gennari et al., 2010; Le Ber et al., 2013; vander Zee et al., 2014). In vitro studies demonstrate that the P387L results in decreased binding of monoubiquitin andpolyubiquitin as compared to wild-type (Cavey et al., 2006). The P387L variant was not observed in approximately6500 individuals of European and African American ancestry in the NHLBI Exome Sequencing Project, indicating itis not a common benign variant in these populations. The P387L variant is a semi-conservative amino acidsubstitution, which may impact secondary protein structure as these residues differ in some properties and occurs at aposition that is conserved across species. The P387L variant is a strong candidate for a pathogenic variant, howeverthe possibility it may be a rare benign variant cannot be excluded.

Juno Genomics, Hangzhou Juno Genomics, Inc
Classification: Likely pathogenic for Frontotemporal dementia and/or amyotrophic lateral sclerosis 3; Myopathy, distal, with rimmed vacuoles; Neurodegeneration with ataxia, dystonia, and gaze palsy, childhood-onset; Paget disease of bone 3. Review status: criteria provided, single submitter. Criteria: ACMG Guidelines, 2015. Collection method: clinical testing. Allele origin: germline.
Comment: Absent from controls (or at extremely low frequency if recessive) in Genome Aggregation Database.;Multiple lines of computational evidence support a deleterious effect on the gene or gene product.;The prevalence of the variant in affected individuals is significantly increased compared to the prevalence in controls.;Co-segregation with disease in multiple affected family members.;Located in a mutational hot spot and/or critical and well-established functional domain without benign variation.

PreventionGenetics, part of Exact Sciences
Classification: Likely pathogenic for SQSTM1-related condition. Last evaluated: 2024-06-20. Review status: no assertion criteria provided. Collection method: clinical testing. Allele origin: germline. Not counted in ClinVar's aggregate classification.
Comment: The SQSTM1 c.1160C>T variant is predicted to result in the amino acid substitution p.Pro387Leu. This variant has been observed in several individuals with Paget’s disease or frontotemporal dementia (Le Ber et al 2013. PubMed ID: 24042580; Donáth et al 2020. PubMed ID: 32978683; Gennari et al 2010. PubMed ID: 20200946). In one study the c.1160C>T variant segregated with disease including three affected individuals with frontotemporal dementia having the variant and two unaffected individuals lacking the variant (van der Zee et al 2014. PubMed ID: 24899140). This variant has also been reported in a family with one individual with Paget's disease and in two unaffected individuals with highly elevated prediagnostic levels of serum alkaline phosphatase (Johnson-Pais et al 2003. PubMed ID: 14584883; Leach et al 2006. PubMed ID: 17229008). This variant has been reported to affect SQSTM1 protein function (Cavey et al. 2006. PubMed ID: 16691492). This variant is reported in 0.028% of alleles in individuals of European (Finnish) descent in gnomAD. However, the majority of individuals carrying the variant in gnomAD are below typical ages of disease on set and it is unclear if they would be affected. Together we classify this variant as likely pathogenic.

OMIM
Classification: Pathogenic for FRONTOTEMPORAL DEMENTIA AND/OR AMYOTROPHIC LATERAL SCLEROSIS 3. Last evaluated: 2014-09-01. Review status: no assertion criteria provided. Collection method: literature only. Allele origin: germline. Not counted in ClinVar's aggregate classification.

Literature cited by the submitters: PubMed 14584883 (cited by Labcorp Genetics (formerly Invitae), Labcorp); PubMed 20200946 (cited by Labcorp Genetics (formerly Invitae), Labcorp); PubMed 22972638 (cited by Labcorp Genetics (formerly Invitae), Labcorp); PubMed 24042580 (cited by Labcorp Genetics (formerly Invitae), Labcorp and OMIM); PubMed 24899140 (cited by Labcorp Genetics (formerly Invitae), Labcorp and OMIM); PubMed 25796131 (cited by Labcorp Genetics (formerly Invitae), Labcorp); PubMed 29525180 (cited by Labcorp Genetics (formerly Invitae), Labcorp); PubMed 16691492 (cited by Labcorp Genetics (formerly Invitae), Labcorp); PubMed 17229008 (cited by Labcorp Genetics (formerly Invitae), Labcorp).

NM_003900.5(SQSTM1):c.1160C>T (p.Pro387Leu)

Gene: SQSTM1 (sequestosome 1; plus strand). Cytogenetic location: 5q35.3.
Variant type: single nucleotide variant.
Coding change: c.1160C>T on transcript NM_003900.5 (MANE Select); coding-DNA position 1160, C replaced by T.
Protein change: p.Pro387Leu; replaces proline 387 with leucine.
Molecular consequence: missense variant.
Genome position (GRCh38, 1-based): chr5:179,833,777, C>T. VCF-style: chr5-179833777-C-T. GRCh37 (hg19) VCF-style: chr5-179260777-C-T.
Other names: c.908C>T, p.Pro303Leu (NM_001142298.2, NM_001142299.2); short protein forms P387L, P303L.
Identifiers: ClinVar variation 202211 (VCV000202211.13), dbSNP rs776749939, ClinGen allele CA203868.